The following is an entry in ClinVar:

NC_000016.10:g.(?_8804742)_(8804853_?)del

Gene: PMM2 (phosphomannomutase 2; plus strand). Cytogenetic location: 16p13.2.
Variant type: Deletion.
Identifiers: ClinVar variation 830707 (VCV000830707.5).

ClinVar aggregate classification (germline): Pathogenic (1 of 4 stars; one submission).

Conditions:
PMM2-congenital disorder of glycosylation. Also called: PMM2-CDG; CDG Ia; Congenital disorder of glycosylation, type Ia; JAEKEN SYNDROME; PHOSPHOMANNOMUTASE 2 DEFICIENCY; CARBOHYDRATE-DEFICIENT GLYCOPROTEIN SYNDROME, TYPE Ia. Identifiers: Orphanet 79318, MedGen C0349653, MONDO:0008907, OMIM 212065.

Submission:

Labcorp Genetics (formerly Invitae), Labcorp
Classification: Pathogenic for PMM2-congenital disorder of glycosylation. Last evaluated: 2019-12-31. Review status: criteria provided, single submitter. Criteria: Invitae Variant Classification Sherloc (09022015). Collection method: clinical testing. Allele origin: germline.
Comment: For these reasons, this variant has been classified as Pathogenic. Loss-of-function variants in PMM2 are known to be pathogenic (PMID: 19862844). This variant has not been reported in the literature in individuals with PMM2-related conditions. This variant is an out-of-frame deletion of the genomic region encompassing exon 3 of the PMM2 gene. This is expected to create a premature translational stop signal and result in an absent or disrupted protein product.

Literature cited by the submitters: PubMed 19862844.